The following is an entry in ClinVar:

ClinVar aggregate classification (germline): Uncertain significance (1 of 4 stars; one submission).

Conditions:
Mitochondrial hypertrophic cardiomyopathy with lactic acidosis due to MTO1 deficiency. Also called: Combined oxidative phosphorylation deficiency 10; CARDIOMYOPATHY, INFANTILE HYPERTROPHIC MITOCHONDRIAL, AND LACTIC ACIDOSIS. Identifiers: Orphanet 314637, MedGen C4749921, MONDO:0013865, OMIM 614702.

Submission:

Labcorp Genetics (formerly Invitae), Labcorp
Classification: Uncertain significance for Mitochondrial hypertrophic cardiomyopathy with lactic acidosis due to MTO1 deficiency. Last evaluated: 2024-10-28. Review status: criteria provided, single submitter. Criteria: Invitae Variant Classification Sherloc (09022015). Collection method: clinical testing. Allele origin: germline.
Comment: This sequence change replaces serine, which is neutral and polar, with isoleucine, which is neutral and non-polar, at codon 27 of the MTO1 protein (p.Ser27Ile). This variant is not present in population databases (gnomAD no frequency). This variant has not been reported in the literature in individuals affected with MTO1-related conditions. ClinVar contains an entry for this variant (Variation ID: 1380886). An algorithm developed to predict the effect of missense changes on protein structure and function (PolyPhen-2) suggests that this variant is likely to be tolerated. In summary, the available evidence is currently insufficient to determine the role of this variant in disease. Therefore, it has been classified as a Variant of Uncertain Significance.

NM_012123.4(MTO1):c.80G>T (p.Ser27Ile)

Gene: MTO1 (mitochondrial tRNA translation optimization 1; plus strand). Cytogenetic location: 6q13.
Variant type: single nucleotide variant.
Coding change: c.80G>T on transcript NM_012123.4 (MANE Select); coding-DNA position 80, G replaced by T.
Protein change: p.Ser27Ile; replaces serine 27 with isoleucine.
Molecular consequence: missense variant.
Genome position (GRCh38, 1-based): chr6:73,461,934, G>T. VCF-style: chr6-73461934-G-T. GRCh37 (hg19) VCF-style: chr6-74171657-G-T.
Other names: c.80G>T, p.Ser27Ile (NM_001123226.2, NM_133645.3); short protein forms S27I.
Identifiers: ClinVar variation 1380886 (VCV001380886.5), dbSNP rs2150024378, ClinGen allele CA364711857.